The following is an entry in ClinVar:

ClinVar aggregate classification (germline): Uncertain significance (1 of 4 stars; one submission).

Conditions:
Alstrom syndrome (ALMS). Identifiers: Orphanet 64, MedGen C0268425, MONDO:0008763, OMIM 203800.

Submission:

Labcorp Genetics (formerly Invitae), Labcorp
Classification: Uncertain significance for Alstrom syndrome. Last evaluated: 2022-02-27. Review status: criteria provided, single submitter. Criteria: Invitae Variant Classification Sherloc (09022015). Collection method: clinical testing. Allele origin: germline.
Comment: This sequence change replaces glutamine, which is neutral and polar, with proline, which is neutral and non-polar, at codon 4106 of the ALMS1 protein (p.Gln4106Pro). In summary, the available evidence is currently insufficient to determine the role of this variant in disease. Therefore, it has been classified as a Variant of Uncertain Significance. Experimental studies and prediction algorithms are not available or were not evaluated, and the functional significance of this variant is currently unknown. This variant has not been reported in the literature in individuals affected with ALMS1-related conditions. This variant is not present in population databases (gnomAD no frequency).

NM_001378454.1(ALMS1):c.12314A>C (p.Gln4105Pro)

Gene: ALMS1 (ALMS1 centrosome and basal body associated protein; plus strand). Cytogenetic location: 2p13.1.
Variant type: single nucleotide variant.
Coding change: c.12314A>C on transcript NM_001378454.1 (MANE Select); coding-DNA position 12314, A replaced by C.
Protein change: p.Gln4105Pro; replaces glutamine 4105 with proline.
Molecular consequence: missense variant.
Genome position (GRCh38, 1-based): chr2:73,603,256, A>C. VCF-style: chr2-73603256-A-C. GRCh37 (hg19) VCF-style: chr2-73830383-A-C.
Other names: c.12317A>C, p.Gln4106Pro (NM_015120.4); short protein forms Q4105P, Q4106P.
Identifiers: ClinVar variation 2104033 (VCV002104033.4), dbSNP rs1675739618, ClinGen allele CA347271124.